The following is an entry in ClinVar:

ClinVar aggregate classification (germline): Pathogenic. Review status: criteria provided, multiple submitters, no conflicts (2 of 4 stars). 3 submissions from 3 submitters: Pathogenic (2). 1 of the submissions does not count toward it. Last evaluated 2026-01-20.

Conditions:
Cockayne syndrome type 1. Also called: Cockayne syndrome type I; Cockayne syndrome classical; Cockayne syndrome classic form. Identifiers: Orphanet 191, Orphanet 90321, MedGen C0751039, MONDO:0019569, OMIM 216400.

Submissions (3):

Labcorp Genetics (formerly Invitae), Labcorp
Classification: Pathogenic. Last evaluated: 2026-01-20. Review status: criteria provided, single submitter. Criteria: Invitae Variant Classification Sherloc (09022015). Collection method: clinical testing. Allele origin: germline.
Comment: This sequence change creates a premature translational stop signal (p.Leu132Asnfs*6) in the ERCC8 gene. It is expected to result in an absent or disrupted protein product. Loss-of-function variants in ERCC8 are known to be pathogenic (PMID: 29572252). This variant is present in population databases (rs774542633, gnomAD 0.006%). This premature translational stop signal has been observed in individuals with Cockayne syndrome (PMID: 26173784, 29057985). ClinVar contains an entry for this variant (Variation ID: 554811). For these reasons, this variant has been classified as Pathogenic.

Juno Genomics, Hangzhou Juno Genomics, Inc
Classification: Pathogenic for Cockayne syndrome type 1. Review status: criteria provided, single submitter. Criteria: ACMG Guidelines, 2015. Collection method: clinical testing. Allele origin: germline.
Comment: Absent from controls (or at extremely low frequency if recessive) in Genome Aggregation Database.;Null variant in a gene where loss of function (LOF) is a known mechanism of disease.;For recessive disorders, detected in trans with a pathogenic variant.;Patient's phenotype or family history is highly specific for a disease with a single genetic etiology.

Counsyl
Classification: Pathogenic for Cockayne syndrome type 1. Last evaluated: 2017-11-03. Review status: no assertion criteria provided. Collection method: clinical testing. Allele origin: unknown. Not counted in ClinVar's aggregate classification.

Literature cited by the submitters: PubMed 29572252 (cited by Labcorp Genetics (formerly Invitae), Labcorp); PubMed 26173784 (cited by Labcorp Genetics (formerly Invitae), Labcorp); PubMed 29057985 (cited by Labcorp Genetics (formerly Invitae), Labcorp and Counsyl).

NM_000082.4(ERCC8):c.394_398del (p.Leu132fs)

Genes: ERCC8 (ERCC excision repair 8, CSA ubiquitin ligase complex subunit; minus strand), ERCC8-AS1 (ERCC8 antisense RNA 1; plus strand). Cytogenetic location: 5q12.1.
Variant type: Deletion.
Coding change: c.394_398del on transcript NM_000082.4 (MANE Select); coding-DNA positions 394 to 398, 5 bases deleted (TTACA; older notation c.394_398delTTACA).
Protein change: p.Leu132fs; shifts the reading frame from leucine 132.
Molecular consequence: frameshift variant.
Genome position (GRCh38, 1-based): chr5:60,918,266-60,918,270, TGTAA deleted on the plus strand (TTACA on the coding strand, the reverse complement: ERCC8 is on the minus strand); deleting any 5 consecutive bases within chr5:60,918,266-60,918,274 gives the same sequence; the c. name uses the placement nearest the transcript's 3' end. VCF-style (leftmost placement, unchanged base first): chr5-60918265-TTGTAA-T. GRCh37 (hg19) VCF-style: chr5-60214092-TTGTAA-T.
Other names: c.394_398del5 (NM_000082.3); c.220_224del, p.Leu74fs (NM_001007233.3); c.394_398del, p.Leu132fs (NM_001007234.3); c.17_21del, p.Ile6fs (NM_001290285.2); short protein forms I6fs, L132fs, L74fs.
Identifiers: ClinVar variation 554811 (VCV000554811.16), dbSNP rs774542633, ClinGen allele CA3277874.